The following is an entry in ClinVar:

NM_003097.6(SNRPN):c.182G>A (p.Arg61His)

Genes: SNHG14 (small nucleolar RNA host gene 14; plus strand), SNRPN (small nuclear ribonucleoprotein polypeptide N; plus strand), SNURF (SNRPN upstream open reading frame; plus strand). Cytogenetic location: 15q11.2.
Variant type: single nucleotide variant.
Coding change: c.182G>A on transcript NM_003097.6 (MANE Select); coding-DNA position 182, G replaced by A.
Protein change: p.Arg61His; replaces arginine 61 with histidine.
Molecular consequence: missense variant. On other transcripts: 3 prime UTR variant (1), intron variant (1), non-coding transcript variant (1).
Genome position (GRCh38, 1-based): chr15:24,976,331, G>A. VCF-style: chr15-24976331-G-A. GRCh37 (hg19) VCF-style: chr15-25221478-G-A.
Other names: c.182G>A, p.Arg61His (NM_022805.5, NM_022806.5, NM_022807.5 and 99 more transcripts); c.*370G>A (NM_005678.5); c.4-546G>A (NM_001400768.1); c.194G>A, p.Arg65His (NM_001378251.1, NM_001378252.1, NM_001378253.1 and 2 more transcripts); c.158G>A, p.Arg53His (NM_001378256.1, NM_001378257.1, NM_001400767.1); short protein forms R53H, R61H, R65H.
Identifiers: ClinVar variation 1308487 (VCV001308487.5), dbSNP rs761495657, ClinGen allele CA7431309.

ClinVar aggregate classification (germline): Uncertain significance (1 of 4 stars; one submission).

Allele frequency attached by ClinVar (database versions not stated): gnomAD exomes 0.00001; TOPMed below 0.00001; ExAC 0.00001.
gnomAD v4.1: 8 of 1,613,574 alleles (0.0005%); highest among the groups gnomAD compares: South Asian, 0.0022%; no homozygotes.

Submission:

GeneDx
Classification: Uncertain significance. Last evaluated: 2025-06-18. Review status: criteria provided, single submitter. Criteria: GeneDx Variant Classification Process June 2021. Collection method: clinical testing. Allele origin: germline. Affected: yes.
Comment: Reported in the heterozygous state in an adult patient with obesity in published literature (PMID: 29970488); In silico analysis supports that this missense variant has a deleterious effect on protein structure/function; This variant is associated with the following publications: (PMID: 29970488)